The following is an entry in ClinVar:

ClinVar aggregate classification (germline): Uncertain significance (1 of 4 stars; one submission).

Conditions:
Bardet-Biedl syndrome (BBS). Identifiers: Orphanet 110, MedGen C0752166, MONDO:0015229.

Submission:

Labcorp Genetics (formerly Invitae), Labcorp
Classification: Uncertain significance for Bardet-Biedl syndrome. Last evaluated: 2021-01-28. Review status: criteria provided, single submitter. Criteria: Invitae Variant Classification Sherloc (09022015). Collection method: clinical testing. Allele origin: germline.
Comment: In summary, the available evidence is currently insufficient to determine the role of this variant in disease. Therefore, it has been classified as a Variant of Uncertain Significance. This variant has not been reported in the literature in individuals with BBS9-related conditions. This variant is a gross deletion of the genomic region encompassing exons 20-23 of the BBS9 gene. The 5' boundary is likely confined to intron 19. The 3' end of this event is unknown as it extends through the termination codon beyond the assayed region for this gene and may encompass additional genes. While this deletion is not anticipated to result in nonsense mediated decay, it is expected to create a truncated protein product or disrupt mRNA translation.

NC_000007.14:g.(?_33505463)_(33605226_?)del

Gene: BBS9 (Bardet-Biedl syndrome 9; plus strand). Cytogenetic location: 7p14.3.
Variant type: Deletion.
Identifiers: ClinVar variation 830509 (VCV000830509.5).